The following is an entry in ClinVar:

NM_001077653.2(TBX20):c.691G>A (p.Val231Met)

Gene: TBX20 (T-box transcription factor 20; minus strand). Cytogenetic location: 7p14.2.
Variant type: single nucleotide variant.
Coding change: c.691G>A on transcript NM_001077653.2 (MANE Select); coding-DNA position 691, G replaced by A.
Protein change: p.Val231Met; replaces valine 231 with methionine.
Molecular consequence: missense variant.
Genome position (GRCh38, 1-based): chr7:35,241,001, C>T on the plus strand (G>A on the coding strand, the complement: TBX20 is on the minus strand). VCF-style: chr7-35241001-C-T. GRCh37 (hg19) VCF-style: chr7-35280613-C-T.
Other names: c.691G>A, p.Val231Met (NM_001166220.1); short protein forms V231M.
Identifiers: ClinVar variation 1678715 (VCV001678715.2), dbSNP rs2128714668, ClinGen allele CA367264155.

ClinVar aggregate classification (germline): Uncertain significance (1 of 4 stars; one submission).

Allele frequency attached by ClinVar (database versions not stated): gnomAD exomes below 0.00001.
gnomAD v4.1: 1 of 1,613,808 alleles (0.000062%); highest among the groups gnomAD compares: Non-Finnish European, 0.000085%; no homozygotes.

Submission:

GeneDx
Classification: Uncertain significance. Last evaluated: 2021-10-22. Review status: criteria provided, single submitter. Criteria: GeneDx Variant Classification Process June 2021. Collection method: clinical testing. Allele origin: germline. Affected: yes.
Comment: Has not been previously published as pathogenic or benign to our knowledge; Not observed at significant frequency in large population cohorts (gnomAD); In silico analysis supports that this missense variant does not alter protein structure/function